The following is an entry in ClinVar:

NM_000023.4(SGCA):c.690G>C (p.Leu230=)

Gene: SGCA (sarcoglycan alpha; plus strand). Cytogenetic location: 17q21.33.
Variant type: single nucleotide variant.
Coding change: c.690G>C on transcript NM_000023.4 (MANE Select); coding-DNA position 690, G replaced by C.
Protein change: p.Leu230=; no amino-acid change (leucine 230 retained).
Molecular consequence: synonymous variant. On other transcripts: non-coding transcript variant (1), intron variant (1).
Genome position (GRCh38, 1-based): chr17:50,169,197, G>C. VCF-style: chr17-50169197-G-C. GRCh37 (hg19) VCF-style: chr17-48246558-G-C.
Other names: c.584+625G>C (NM_001135697.3); c.690G>C (NM_000023.3).
Identifiers: ClinVar variation 198032 (VCV000198032.63), dbSNP rs139454982, ClinGen allele CA246515.

ClinVar aggregate classification (germline): Conflicting classifications of pathogenicity. Review status: criteria provided, conflicting classifications (1 of 4 stars). 8 submissions from 8 submitters: Uncertain significance (2); Likely benign (5). 1 of the submissions does not count toward it. Last evaluated 2026-01-28.

Conditions:
Sarcoglycanopathy. Identifiers: Orphanet 207052, MedGen C2936331, MONDO:0016140.
Autosomal recessive limb-girdle muscular dystrophy type 2D (LGMDR3). Also called: DUCHENNE-LIKE AUTOSOMAL RECESSIVE MUSCULAR DYSTROPHY, TYPE 2; MUSCULAR DYSTROPHY, LIMB-GIRDLE, AUTOSOMAL RECESSIVE 3; ADHALINOPATHY, PRIMARY. Identifiers: Orphanet 62, MedGen C2936332, MONDO:0011968, OMIM 608099. Disease mechanism: Affects gamma-sarcoglycan and also disrupts the integrity of the entire sarcoglycan complex..

Allele frequency attached by ClinVar (database versions not stated): 1000 Genomes Project 0.00040; 1000 Genomes Project 30x 0.00047; gnomAD 0.00047 and 0.00049; TOPMed 0.00054; ExAC 0.00060; ESP Exome Variant Server 0.00069.

Submissions (8):

Labcorp Genetics (formerly Invitae), Labcorp
Classification: Likely benign for Autosomal recessive limb-girdle muscular dystrophy type 2D. Last evaluated: 2026-01-28. Review status: criteria provided, single submitter. Criteria: Invitae Variant Classification Sherloc (09022015). Collection method: clinical testing. Allele origin: germline.

Athena Diagnostics
Classification: Likely benign. Last evaluated: 2025-03-18. Review status: criteria provided, single submitter. Criteria: Athena Diagnostics Criteria. Collection method: clinical testing. Allele origin: unknown.
Comment: The frequency of this variant in the general population is higher than would generally be expected for pathogenic variants in this gene. Computational tools yielded predictions that this variant is unlikely to have an effect on normal RNA splicing. This nucleotide position exhibits low evolutionary conservation.

Blueprint Genetics
Classification: Likely benign. Last evaluated: 2024-11-25. Review status: criteria provided, single submitter. Criteria: ACMG Guidelines, 2015. Collection method: clinical testing. Allele origin: germline.

CeGaT Center for Human Genetics Tuebingen
Classification: Likely benign. Last evaluated: 2023-11-01. Review status: criteria provided, single submitter. Criteria: CeGaT Center For Human Genetics Tuebingen Variant Classification Criteria Version 2. Collection method: clinical testing. Allele origin: germline. Affected: yes. Observed: 2 variant alleles.

Illumina Laboratory Services, Illumina
Classification: Uncertain significance for Sarcoglycanopathy. Last evaluated: 2018-01-13. Review status: criteria provided, single submitter. Criteria: ICSL Variant Classification Criteria 13 December 2019. Collection method: clinical testing. Allele origin: germline.

GeneDx
Classification: Likely benign. Last evaluated: 2017-07-12. Review status: criteria provided, single submitter. Criteria: GeneDx Variant Classification (06012015). Collection method: clinical testing. Allele origin: germline. Affected: yes.
Comment: This variant is considered likely benign or benign based on one or more of the following criteria: it is a conservative change, it occurs at a poorly conserved position in the protein, it is predicted to be benign by multiple in silico algorithms, and/or has population frequency not consistent with disease.

Eurofins Ntd Llc (ga)
Classification: Uncertain significance. Last evaluated: 2017-01-25. Review status: criteria provided, single submitter. Criteria: EGL Classification Definitions 2015. Collection method: clinical testing. Allele origin: germline. Observed: 7 variant alleles, 7 heterozygotes.

Natera, Inc.
Classification: Likely benign for Limb-girdle muscular dystrophy type 2D. Last evaluated: 2020-06-03. Review status: no assertion criteria provided. Collection method: clinical testing. Allele origin: germline. Not counted in ClinVar's aggregate classification.